The following is an entry in ClinVar:

ClinVar aggregate classification (germline): Uncertain significance (1 of 4 stars; one submission).

Conditions:
Tumor predisposition syndrome 3 (TPDS3). Also called: Melanoma, cutaneous malignant, susceptibility to, 10; Glioma susceptibility 9; LONG TELOMERE SYNDROME, POT1-RELATED; POT1 Tumor Predisposition. Identifiers: Orphanet 618, MedGen C4014476, MONDO:0014368, OMIM 615848.

Submission:

Labcorp Genetics (formerly Invitae), Labcorp
Classification: Uncertain significance for Melanoma, cutaneous malignant, susceptibility to, 10. Last evaluated: 2019-01-17. Review status: criteria provided, single submitter. Criteria: Invitae Variant Classification Sherloc (09022015). Collection method: clinical testing. Allele origin: germline.
Comment: This sequence change inserts a large fragment of DNA, likely a transposable element, in exon 10 of the POT1 gene (c.717_718insAlu), causing a frameshift at codon 240 (p.Arg240fs). The exact size and sequence of the insertion cannot be determined by the current assay. However, the insertion is expected to result in an absent or disrupted protein product. This variant is not present in population databases (ExAC no frequency). This variant has not been reported in the literature in individuals with POT1-related conditions. The current clinical and genetic evidence is not sufficient to establish whether loss-of-function variants in POT1 cause disease. In summary, the available evidence is currently insufficient to determine the role of this variant in disease. Therefore, it has been classified as a Variant of Uncertain Significance.

NM_015450.2:c.717_718insAlu

Gene: POT1 (protection of telomeres 1; minus strand). Cytogenetic location: 7q31.33.
Variant type: Insertion.
Identifiers: ClinVar variation 870276 (VCV000870276.1).